The following is an entry in ClinVar:

ClinVar aggregate classification (germline): Uncertain significance. Review status: criteria provided, multiple submitters, no conflicts (2 of 4 stars). 2 submissions from 2 submitters: Uncertain significance (2). Last evaluated 2025-01-02.

Allele frequency attached by ClinVar (database versions not stated): ExAC 0.00010; 1000 Genomes Project 30x 0.00016.
gnomAD v4.1: 393 of 1,550,582 alleles (0.025%); highest among the groups gnomAD compares: Middle Eastern, 0.27%; 1 homozygote.

Submissions (2):

GeneDx
Classification: Uncertain significance. Last evaluated: 2025-01-02. Review status: criteria provided, single submitter. Criteria: GeneDx Variant Classification Process June 2021. Collection method: clinical testing. Allele origin: germline.
Comment: In silico analysis supports that this missense variant has a deleterious effect on protein structure/function; Has not been previously published as pathogenic or benign to our knowledge

Ambry Genetics
Classification: Uncertain significance. Last evaluated: 2021-06-11. Review status: criteria provided, single submitter. Criteria: Ambry Variant Classification Scheme 2023. Collection method: clinical testing. Allele origin: germline.

NM_001367479.1(DNAH14):c.7751C>T (p.Ser2584Phe)

Gene: DNAH14 (dynein axonemal heavy chain 14; plus strand). Cytogenetic location: 1q42.12.
Variant type: single nucleotide variant.
Coding change: c.7751C>T on transcript NM_001367479.1 (MANE Select); coding-DNA position 7751, C replaced by T.
Protein change: p.Ser2584Phe; replaces serine 2584 with phenylalanine.
Molecular consequence: missense variant.
Genome position (GRCh38, 1-based): chr1:225,271,985, C>T. VCF-style: chr1-225271985-C-T. GRCh37 (hg19) VCF-style: chr1-225459687-C-T.
Other names: NM_001373.1:c.7733C>T; short protein forms S2584F.
Identifiers: ClinVar variation 2208941 (VCV002208941.4), dbSNP rs569630401, ClinGen allele CA1416360.